The following is an entry in ClinVar:

ClinVar aggregate classification (germline): Uncertain significance. Review status: criteria provided, multiple submitters, no conflicts (2 of 4 stars). 2 submissions from 2 submitters: Uncertain significance (2). Last evaluated 2026-06-19.

Conditions:
PLXNA4-related disorder. Also called: PLXNA4-related condition.

Allele frequency attached by ClinVar (database versions not stated): ExAC 0.00012; gnomAD exomes 0.00014; 1000 Genomes Project 30x 0.00016; 1000 Genomes Project 0.00020.
gnomAD v4.1: 221 of 1,613,074 alleles (0.014%); highest among the groups gnomAD compares: East Asian, 0.41%; no homozygotes.

Submissions (2):

PreventionGenetics, part of Exact Sciences
Classification: Uncertain significance for PLXNA4-related condition. Last evaluated: 2026-06-19. Review status: criteria provided, single submitter. Criteria: ACMG Guidelines, 2015. Collection method: clinical testing. Allele origin: germline.
Comment: The PLXNA4 c.2081G>A variant is predicted to result in the amino acid substitution p.Arg694Gln. To our knowledge, this variant has not been reported in the literature. This variant is reported in 0.13% of alleles in individuals of East Asian descent in gnomAD, which is likely too common to be a primary cause of disease. Although we suspect that this variant may be benign, at this time, the clinical significance of this variant is uncertain due to the absence of conclusive functional and genetic evidence.

Ambry Genetics
Classification: Uncertain significance. Last evaluated: 2021-09-27. Review status: criteria provided, single submitter. Criteria: Ambry Variant Classification Scheme 2023. Collection method: clinical testing. Allele origin: germline.

NM_020911.2(PLXNA4):c.2081G>A (p.Arg694Gln)

Gene: PLXNA4 (plexin A4; minus strand). Cytogenetic location: 7q32.3.
Variant type: single nucleotide variant.
Coding change: c.2081G>A on transcript NM_020911.2 (MANE Select); coding-DNA position 2081, G replaced by A.
Protein change: p.Arg694Gln; replaces arginine 694 with glutamine.
Molecular consequence: missense variant.
Genome position (GRCh38, 1-based): chr7:132,223,543, C>T on the plus strand (G>A on the coding strand, the complement: PLXNA4 is on the minus strand). VCF-style: chr7-132223543-C-T. GRCh37 (hg19) VCF-style: chr7-131908302-C-T.
Other names: c.2081G>A, p.Arg694Gln (NM_001393897.1); short protein forms R694Q.
Identifiers: ClinVar variation 2214772 (VCV002214772.5), dbSNP rs200493064, ClinGen allele CA4489904.
Genomic context (GRCh38, chr7:132,223,543, plus strand): 5'-CTCACAACAAGAGACACTCACCACTCTGGCTGCCAGGGACCTACCTCGGGCAGCTTCACT[C>T]GGCCTTCCTGGAAGGAGCAGGTCTTGGGGTCATGGGTGCAGACATGCCGGTATTTACACC-3'
Protein context (NP_065962.1, residues 684-704): DPKTCSFQEG[Arg694Gln]VKLPEDCPQL